The following is an entry in ClinVar:

ClinVar aggregate classification (germline): Uncertain significance (1 of 4 stars; one submission).

Allele frequency attached by ClinVar (database versions not stated): gnomAD exomes below 0.00001; ExAC 0.00001; gnomAD 0.00001.

Submission:

Labcorp Genetics (formerly Invitae), Labcorp
Classification: Uncertain significance. Last evaluated: 2025-06-12. Review status: criteria provided, single submitter. Criteria: Invitae Variant Classification Sherloc (09022015). Collection method: clinical testing. Allele origin: germline.
Comment: This sequence change replaces glutamine, which is neutral and polar, with histidine, which is basic and polar, at codon 3223 of the FRAS1 protein (p.Gln3223His). The frequency data for this variant in the population databases is considered unreliable, as metrics indicate poor data quality at this position in the gnomAD database. This variant has not been reported in the literature in individuals affected with FRAS1-related conditions. ClinVar contains an entry for this variant (Variation ID: 2127311). Invitae Evidence Modeling of protein sequence and biophysical properties (such as structural, functional, and spatial information, amino acid conservation, physicochemical variation, residue mobility, and thermodynamic stability) indicates that this missense variant is expected to disrupt FRAS1 protein function with a positive predictive value of 80%. In summary, the available evidence is currently insufficient to determine the role of this variant in disease. Therefore, it has been classified as a Variant of Uncertain Significance.

NM_025074.7(FRAS1):c.9669G>C (p.Gln3223His)

Gene: FRAS1 (Fraser extracellular matrix complex subunit 1; plus strand). Cytogenetic location: 4q21.21.
Variant type: single nucleotide variant.
Coding change: c.9669G>C on transcript NM_025074.7 (MANE Select); coding-DNA position 9669, G replaced by C.
Protein change: p.Gln3223His; replaces glutamine 3223 with histidine.
Molecular consequence: missense variant.
Genome position (GRCh38, 1-based): chr4:78,508,895, G>C. VCF-style: chr4-78508895-G-C. GRCh37 (hg19) VCF-style: chr4-79430049-G-C.
Other names: short protein forms Q3223H.
Identifiers: ClinVar variation 2127311 (VCV002127311.3), dbSNP rs745828105, ClinGen allele CA2978728.
Genomic context (GRCh38, chr4:78,508,895, plus strand): 5'-CCCTCATTTCCCCAGATACGCTGTCATGAAGGAGCGCTGCAGTGAGGCCGGCATCAACCA[G>C]ACATCTGTGCAGTTCAGCTGGGAAGTGGCTGCCCCCACTGATGGCAATGGGGCCCGGTCT-3'
Protein context (NP_079350.5, residues 3213-3233): KERCSEAGIN[Gln3223His]TSVQFSWEVA